The following is an entry in ClinVar:

ClinVar aggregate classification (germline): Likely benign (1 of 4 stars; one submission).

Allele frequency attached by ClinVar (database versions not stated): 1000 Genomes Project 0.00040; 1000 Genomes Project 30x 0.00047; gnomAD 0.00103; TOPMed 0.00107; ExAC 0.00120; ESP Exome Variant Server 0.00123; gnomAD exomes 0.00227.
gnomAD v4.1: 3,467 of 1,614,128 alleles (0.21%); highest among the groups gnomAD compares: Non-Finnish European, 0.26%; 6 homozygotes.

Submission:

CeGaT Center for Human Genetics Tuebingen
Classification: Likely benign. Last evaluated: 2022-06-01. Review status: criteria provided, single submitter. Criteria: CeGaT Center For Human Genetics Tuebingen Variant Classification Criteria Version 2. Collection method: clinical testing. Allele origin: germline. Affected: yes. Observed: 1 variant allele.
Comment: RIMBP2: BP4, BP7

NM_001393629.1(RIMBP2):c.918C>T (p.Ile306=)

Gene: RIMBP2 (RIMS binding protein 2; minus strand). Cytogenetic location: 12q24.33.
Variant type: single nucleotide variant.
Coding change: c.918C>T on transcript NM_001393629.1 (MANE Select); coding-DNA position 918, C replaced by T.
Protein change: p.Ile306=; no amino-acid change (isoleucine 306 retained).
Molecular consequence: synonymous variant.
Genome position (GRCh38, 1-based): chr12:130,442,434, G>A on the plus strand (C>T on the coding strand, the complement: RIMBP2 is on the minus strand). VCF-style: chr12-130442434-G-A. GRCh37 (hg19) VCF-style: chr12-130926979-G-A.
Other names: c.918C>T, p.Ile306= (NM_001351226.2, NM_001351227.2, NM_001351228.2 and 19 more transcripts); c.591C>T, p.Ile197= (NM_001351233.2); c.867C>T, p.Ile289= (NM_015347.5).
Identifiers: ClinVar variation 2643595 (VCV002643595.24), dbSNP rs139793871, ClinGen allele CA6878397.
Genomic context (GRCh38, chr12:130,442,434, plus strand): 5'-GAGTTGTTTGATGAGGGTGATTTTTCTAGGGTAAGGCACGATGTCTTCTCCGATGTCGTC[G>A]ATGTTCACGTCCAGGGTCCCGGCACTGTTGTCGGTGATGCCCGCATCTATGTGGGTTGGG-3'
Protein context (NP_001380558.1, residues 296-316): DNSAGTLDVN[Ile306=]DDIGEDIVPY